The following is an entry in ClinVar:

NM_004211.5(SLC6A5):c.1846A>C (p.Met616Leu)

Gene: SLC6A5 (solute carrier family 6 member 5; plus strand). Cytogenetic location: 11p15.1.
Variant type: single nucleotide variant.
Coding change: c.1846A>C on transcript NM_004211.5 (MANE Select); coding-DNA position 1846, A replaced by C.
Protein change: p.Met616Leu; replaces methionine 616 with leucine.
Molecular consequence: missense variant.
Genome position (GRCh38, 1-based): chr11:20,637,280, A>C. VCF-style: chr11-20637280-A-C. GRCh37 (hg19) VCF-style: chr11-20658826-A-C.
Other names: c.1144A>C, p.Met382Leu (NM_001318369.2); short protein forms M382L, M616L.
Identifiers: ClinVar variation 1462160 (VCV001462160.8), dbSNP rs142895058, ClinGen allele CA379918302.

ClinVar aggregate classification (germline): Uncertain significance (1 of 4 stars; one submission).

Conditions:
Hyperekplexia 3 (HKPX3). Also called: HYPEREKPLEXIA 3, AUTOSOMAL RECESSIVE; HYPEREKPLEXIA 3, AUTOSOMAL DOMINANT. Identifiers: Orphanet 3197, MedGen C3553288, MONDO:0013827, OMIM 614618.

Submission:

Labcorp Genetics (formerly Invitae), Labcorp
Classification: Uncertain significance for Hyperekplexia 3. Last evaluated: 2022-10-24. Review status: criteria provided, single submitter. Criteria: Invitae Variant Classification Sherloc (09022015). Collection method: clinical testing. Allele origin: germline.
Comment: This variant is not present in population databases (gnomAD no frequency). In summary, the available evidence is currently insufficient to determine the role of this variant in disease. Therefore, it has been classified as a Variant of Uncertain Significance. Advanced modeling of protein sequence and biophysical properties (such as structural, functional, and spatial information, amino acid conservation, physicochemical variation, residue mobility, and thermodynamic stability) performed at Invitae indicates that this missense variant is not expected to disrupt SLC6A5 protein function. ClinVar contains an entry for this variant (Variation ID: 1462160). This variant has not been reported in the literature in individuals affected with SLC6A5-related conditions. This sequence change replaces methionine, which is neutral and non-polar, with leucine, which is neutral and non-polar, at codon 616 of the SLC6A5 protein (p.Met616Leu).